The following is an entry in ClinVar:

ClinVar aggregate classification (germline): Uncertain significance. Review status: criteria provided, multiple submitters, no conflicts (2 of 4 stars). 2 submissions from 2 submitters: Uncertain significance (2). Last evaluated 2023-03-05.

Conditions:
Inborn genetic diseases. Identifiers: MedGen C0950123, MeSH D030342.

Allele frequency attached by ClinVar (database versions not stated): ExAC 0.00002; gnomAD 0.00002; gnomAD exomes 0.00002.
gnomAD v4.1: 28 of 1,614,002 alleles (0.0017%); highest among the groups gnomAD compares: Non-Finnish European, 0.0019%; no homozygotes.

Submissions (2):

Ambry Genetics
Classification: Uncertain significance for Inborn genetic diseases. Last evaluated: 2023-03-05. Review status: criteria provided, single submitter. Criteria: Ambry Variant Classification Scheme 2023. Collection method: clinical testing. Allele origin: germline.
Comment: The p.R125H variant (also known as c.374G>A), located in coding exon 6 of the ERCC2 gene, results from a G to A substitution at nucleotide position 374. The arginine at codon 125 is replaced by histidine, an amino acid with highly similar properties. This amino acid position is conserved. In addition, the in silico prediction for this alteration is inconclusive. Since supporting evidence is limited at this time, the clinical significance of this alteration remains unclear.

Labcorp Genetics (formerly Invitae), Labcorp
Classification: Uncertain significance. Last evaluated: 2021-12-24. Review status: criteria provided, single submitter. Criteria: Invitae Variant Classification Sherloc (09022015). Collection method: clinical testing. Allele origin: germline.
Comment: This sequence change replaces arginine, which is basic and polar, with histidine, which is basic and polar, at codon 125 of the ERCC2 protein (p.Arg125His). This variant is present in population databases (rs746621981, gnomAD 0.004%). This variant has not been reported in the literature in individuals affected with ERCC2-related conditions. Algorithms developed to predict the effect of missense changes on protein structure and function are either unavailable or do not agree on the potential impact of this missense change (SIFT: "Deleterious"; PolyPhen-2: "Benign"; Align-GVGD: "Class C0"). In summary, the available evidence is currently insufficient to determine the role of this variant in disease. Therefore, it has been classified as a Variant of Uncertain Significance.

NM_000400.4(ERCC2):c.374G>A (p.Arg125His)

Gene: ERCC2 (ERCC excision repair 2, TFIIH core complex helicase subunit; minus strand). Cytogenetic location: 19q13.32.
Variant type: single nucleotide variant.
Coding change: c.374G>A on transcript NM_000400.4 (MANE Select); coding-DNA position 374, G replaced by A.
Protein change: p.Arg125His; replaces arginine 125 with histidine.
Molecular consequence: missense variant.
Genome position (GRCh38, 1-based): chr19:45,365,145, C>T on the plus strand (G>A on the coding strand, the complement: ERCC2 is on the minus strand). VCF-style: chr19-45365145-C-T. GRCh37 (hg19) VCF-style: chr19-45868403-C-T.
Other names: c.302G>A, p.Arg101His (NM_001130867.2); short protein forms R101H, R125H.
Identifiers: ClinVar variation 2164939 (VCV002164939.2), dbSNP rs746621981, ClinGen allele CA9513807.
Genomic context (GRCh38, chr19:45,365,145, plus strand): 5'-TGCGCCCGCACATAGGAGGCTGTGAGGCTGTGGCATTTCCCATCGACGTCCTTCCCAAAG[C>T]GCAGGGGTGTCACCTGGGGGTGTGGGGCATCTTAGCACCCAGACAGGGTGGAAACCCAAC-3'
Protein context (NP_000391.1, residues 115-135): LCIHPEVTPL[Arg125His]FGKDVDGKCH